The following is an entry in ClinVar:

NM_138927.4(SON):c.1057T>A (p.Ser353Thr)

Gene: SON (SON DNA and RNA binding protein; plus strand). Cytogenetic location: 21q22.11.
Variant type: single nucleotide variant.
Coding change: c.1057T>A on transcript NM_138927.4 (MANE Select); coding-DNA position 1057, T replaced by A.
Protein change: p.Ser353Thr; replaces serine 353 with threonine.
Molecular consequence: missense variant. On other transcripts: non-coding transcript variant (1), intron variant (1).
Genome position (GRCh38, 1-based): chr21:33,550,288, T>A. VCF-style: chr21-33550288-T-A. GRCh37 (hg19) VCF-style: chr21-34922594-T-A.
Other names: c.1057T>A, p.Ser353Thr (NM_001291411.2, NM_032195.3); c.244+3909T>A (NM_001291412.3); short protein forms S353T.
Identifiers: ClinVar variation 4708836 (VCV004708836.1).
Genomic context (GRCh38, chr21:33,550,288, plus strand): 5'-GCAATTGAAGCGCTAAGATTGCCAGAGCAGCCTGTAGACGTACCATCGGAGATTGCAGAT[T>A]CATCCATGACAAGACCGCAGGAGTTGCCGGAGCTGCCTAAGACCACAGCGTTGGAGCTGC-3'
Protein context (NP_620305.3, residues 343-363): PVDVPSEIAD[Ser353Thr]SMTRPQELPE

ClinVar aggregate classification (germline): Uncertain significance (1 of 4 stars; one submission).

gnomAD v4.1: 6 of 1,613,892 alleles (0.00037%); highest among the groups gnomAD compares: Admixed American, 0.0033%; no homozygotes.

Submission:

Labcorp Genetics (formerly Invitae), Labcorp
Classification: Uncertain significance. Last evaluated: 2025-03-29. Review status: criteria provided, single submitter. Criteria: Invitae Variant Classification Sherloc (09022015). Collection method: clinical testing. Allele origin: germline.
Comment: This sequence change replaces serine, which is neutral and polar, with threonine, which is neutral and polar, at codon 353 of the SON protein (p.Ser353Thr). This variant is present in population databases (no rsID available, gnomAD 0.003%). This variant has not been reported in the literature in individuals affected with SON-related conditions. An algorithm developed to predict the effect of missense changes on protein structure and function (PolyPhen-2) suggests that this variant is likely to be disruptive. In summary, the available evidence is currently insufficient to determine the role of this variant in disease. Therefore, it has been classified as a Variant of Uncertain Significance.